The following is an entry in ClinVar:

NM_002382.5(MAX):c.63+6T>A

Gene: MAX (MYC associated transcriptional regulator X; minus strand). Cytogenetic location: 14q23.3.
Variant type: single nucleotide variant.
Coding change: c.63+6T>A on transcript NM_002382.5 (MANE Select); 6 bases into the intron after coding-DNA position 63, T replaced by A.
Molecular consequence: intron variant.
Genome position (GRCh38, 1-based): chr14:65,101,540, A>T on the plus strand (T>A on the coding strand, the complement: MAX is on the minus strand). VCF-style: chr14-65101540-A-T. GRCh37 (hg19) VCF-style: chr14-65568258-A-T.
Other names: c.36+764T>A (NM_001271069.2, NM_001407095.1, NM_001407110.1 and 9 more transcripts); c.63+6T>A (NM_197957.4, NM_001407094.1, NM_001407104.1 and 6 more transcripts); c.-305+969T>A (NM_001407112.1); c.-212+6T>A (NM_001407106.1, NM_001320415.2, NM_001407105.1); c.-212+764T>A (NM_001407107.1); c.-305+6T>A (NM_001407111.1); c.86+6T>A (NM_001407114.1).
Identifiers: ClinVar variation 3642702 (VCV003642702.2).
Genomic context (GRCh38, chr14:65,101,540, plus strand): 5'-TCTCTGACCCCAAAAAGGAATAGAACTGAACGGAAATAAAAATGAAATGGAGAGTAGGAG[A>T]CGTACCGCAGATTGAAACCTCGGTTGCTCTTCCTGGAATAAGAGAGAAAAAAAAAAATAG-3'

ClinVar aggregate classification (germline): Uncertain significance (1 of 4 stars; one submission).

Conditions:
Hereditary pheochromocytoma and paraganglioma. Also called: Hereditary paragangliomas and pheochromocytomas; Hereditary Paraganglioma-Pheochromocytoma Syndromes; Hereditary pheochromocytoma-paraganglioma. Identifiers: Orphanet 29072, MedGen C4274332, MONDO:0017366.

Submission:

Labcorp Genetics (formerly Invitae), Labcorp
Classification: Uncertain significance for Hereditary pheochromocytoma and paraganglioma. Last evaluated: 2024-02-23. Review status: criteria provided, single submitter. Criteria: Invitae Variant Classification Sherloc (09022015). Collection method: clinical testing. Allele origin: germline.
Comment: This sequence change falls in intron 2 of the MAX gene. It does not directly change the encoded amino acid sequence of the MAX protein. It affects a nucleotide within the consensus splice site. This variant is not present in population databases (gnomAD no frequency). This variant has not been reported in the literature in individuals affected with MAX-related conditions. Variants that disrupt the consensus splice site are a relatively common cause of aberrant splicing (PMID: 17576681, 9536098). Algorithms developed to predict the effect of sequence changes on RNA splicing suggest that this variant may disrupt the consensus splice site. In summary, the available evidence is currently insufficient to determine the role of this variant in disease. Therefore, it has been classified as a Variant of Uncertain Significance.

Literature cited by the submitters: PubMed 17576681; PubMed 9536098.